The following is an entry in ClinVar:

ClinVar aggregate classification (germline): Uncertain significance (1 of 4 stars; one submission).

Submission:

CeGaT Center for Human Genetics Tuebingen
Classification: Uncertain significance. Last evaluated: 2024-01-01. Review status: criteria provided, single submitter. Criteria: CeGaT Center For Human Genetics Tuebingen Variant Classification Criteria Version 2. Collection method: clinical testing. Allele origin: germline. Affected: yes. Observed: 1 variant allele.
Comment: BLTP1: PM2, PM4:Supporting

NM_001384125.1(BLTP1):c.2096_2098del (p.Asp699_Arg700delinsGly)

Gene: BLTP1 (bridge-like lipid transfer protein family member 1; plus strand). Cytogenetic location: 4q27.
Variant type: Deletion.
Coding change: c.2096_2098del on transcript NM_001384125.1 (MANE Select); coding-DNA positions 2096 to 2098, 3 bases deleted (ACA; older notation c.2096_2098delACA).
Protein change: p.Asp699_Arg700delinsGly.
Molecular consequence: inframe indel.
Genome position (GRCh38, 1-based): chr4:122,210,944-122,210,946, ACA deleted. VCF-style (leftmost placement, unchanged base first): chr4-122210943-GACA-G. GRCh37 (hg19) VCF-style: chr4-123132098-GACA-G.
Other names: c.2096_2098del, p.Asp699_Arg700delinsGly (NM_015312.4).
Identifiers: ClinVar variation 3026485 (VCV003026485.22), dbSNP rs2481530316, ClinGen allele CA2740091566.
Genomic context (GRCh38, chr4:122,210,943, plus strand): 5'-ACAGTATCAGAAATGGAAGAGACAATGCTATCTGTATTAAGGCCATCCCAGAAGACATCA[GACA>G]GAGTTGTTTCTTCTCCCTCTACTTCTTCACGCCCACCTATTGATCCCTCAGAACTTCCAC-3'